The following is an entry in ClinVar:

NM_000112.4(SLC26A2):c.1312G>T (p.Ala438Ser)

Gene: SLC26A2 (solute carrier family 26 member 2; plus strand). Cytogenetic location: 5q32.
Variant type: single nucleotide variant.
Coding change: c.1312G>T on transcript NM_000112.4 (MANE Select); coding-DNA position 1312, G replaced by T.
Protein change: p.Ala438Ser; replaces alanine 438 with serine.
Molecular consequence: missense variant.
Genome position (GRCh38, 1-based): chr5:149,980,905, G>T. VCF-style: chr5-149980905-G-T. GRCh37 (hg19) VCF-style: chr5-149360468-G-T.
Other names: short protein forms A438S.
Identifiers: ClinVar variation 1982368 (VCV001982368.3), dbSNP rs753130663, ClinGen allele CA3505420.
Genomic context (GRCh38, chr5:149,980,905, plus strand): 5'-ATGTATGCCATTGGCTTTTGTAATATCATCCCTTCCTTCTTCCACTGTTTTACTACTAGT[G>T]CAGCTCTTGCAAAGACATTGGTTAAAGAATCAACAGGCTGCCATACTCAGCTTTCTGGTG-3'
Protein context (NP_000103.2, residues 428-448): PSFFHCFTTS[Ala438Ser]ALAKTLVKES

ClinVar aggregate classification (germline): Uncertain significance (1 of 4 stars; one submission).

Conditions:
Achondrogenesis, type IB (ACG1B). Also called: Achondrogenesis Type 1B. Identifiers: Orphanet 932, Orphanet 93298, MedGen C0265274, MONDO:0010966, OMIM 600972.
Multiple epiphyseal dysplasia type 4 (EDM4). Also called: Multiple Epiphyseal Dysplasia, Recessive; MULTIPLE EPIPHYSEAL DYSPLASIA WITH BILAYERED PATELLAE; MULTIPLE EPIPHYSEAL DYSPLASIA WITH CLUBFOOT; MULTIPLE EPIPHYSEAL DYSPLASIA, AUTOSOMAL RECESSIVE; SLC26A2-Related Multiple Epiphyseal Dysplasia. Identifiers: Orphanet 93307, MedGen C1847593, MONDO:0009189, OMIM 226900.
Diastrophic dysplasia (DTD). Also called: Diastrophic dwarfism. Identifiers: Orphanet 628, MedGen C0220726, MONDO:0009107, OMIM 222600.
Atelosteogenesis type II (AO2). Also called: SLC26A2-Related Atelosteogenesis; NEONATAL OSSEOUS DYSPLASIA I; Neonatal osseous dysplasia 1. Identifiers: Orphanet 56304, MedGen C1850554, MONDO:0009727, OMIM 256050.

Allele frequency attached by ClinVar (database versions not stated): ExAC 0.00001.

Submission:

Labcorp Genetics (formerly Invitae), Labcorp
Classification: Uncertain significance for Atelosteogenesis type II; Multiple epiphyseal dysplasia type 4; Achondrogenesis, type IB; Diastrophic dysplasia. Last evaluated: 2024-10-21. Review status: criteria provided, single submitter. Criteria: Invitae Variant Classification Sherloc (09022015). Collection method: clinical testing. Allele origin: germline.
Comment: This sequence change replaces alanine, which is neutral and non-polar, with serine, which is neutral and polar, at codon 438 of the SLC26A2 protein (p.Ala438Ser). This variant is present in population databases (rs753130663, gnomAD 0.0009%). This variant has not been reported in the literature in individuals affected with SLC26A2-related conditions. ClinVar contains an entry for this variant (Variation ID: 1982368). Invitae Evidence Modeling of protein sequence and biophysical properties (such as structural, functional, and spatial information, amino acid conservation, physicochemical variation, residue mobility, and thermodynamic stability) indicates that this missense variant is not expected to disrupt SLC26A2 protein function with a negative predictive value of 80%. In summary, the available evidence is currently insufficient to determine the role of this variant in disease. Therefore, it has been classified as a Variant of Uncertain Significance.